The following is an entry in ClinVar:

ClinVar aggregate classification (germline): Uncertain significance (1 of 4 stars; one submission).

Allele frequency attached by ClinVar (database versions not stated): TOPMed below 0.00001; gnomAD exomes 0.00001.
gnomAD v4.1: 7 of 1,611,732 alleles (0.00043%); highest among the groups gnomAD compares: South Asian, 0.0011%; no homozygotes.

Submission:

Labcorp Genetics (formerly Invitae), Labcorp
Classification: Uncertain significance. Last evaluated: 2024-10-07. Review status: criteria provided, single submitter. Criteria: Invitae Variant Classification Sherloc (09022015). Collection method: clinical testing. Allele origin: germline.
Comment: This sequence change falls in intron 17 of the KIF20A gene. It does not directly change the encoded amino acid sequence of the KIF20A protein. It affects a nucleotide within the consensus splice site. This variant is not present in population databases (gnomAD no frequency). This variant has not been reported in the literature in individuals affected with KIF20A-related conditions. Variants that disrupt the consensus splice site are a relatively common cause of aberrant splicing (PMID: 17576681, 9536098). Algorithms developed to predict the effect of sequence changes on RNA splicing suggest that this variant is not likely to affect RNA splicing. In summary, the available evidence is currently insufficient to determine the role of this variant in disease. Therefore, it has been classified as a Variant of Uncertain Significance.

Literature cited by the submitters: PubMed 17576681; PubMed 9536098.

NM_005733.3(KIF20A):c.2217+6T>G

Gene: KIF20A (kinesin family member 20A; plus strand). Cytogenetic location: 5q31.2.
Variant type: single nucleotide variant.
Coding change: c.2217+6T>G on transcript NM_005733.3 (MANE Select); 6 bases into the intron after coding-DNA position 2217, T replaced by G.
Molecular consequence: intron variant.
Genome position (GRCh38, 1-based): chr5:138,186,058, T>G. VCF-style: chr5-138186058-T-G. GRCh37 (hg19) VCF-style: chr5-137521747-T-G.
Identifiers: ClinVar variation 2956649 (VCV002956649.3), dbSNP rs1754739951, ClinGen allele CA1585743620.